The following is an entry in ClinVar:

NM_001257293.2(HNRNPH1):c.610A>T (p.Met204Leu)

Genes: HNRNPH1 (heterogeneous nuclear ribonucleoprotein H1; minus strand), LOC128966623 (uncharacterized LOC128966623; plus strand). Cytogenetic location: 5q35.3.
Variant type: single nucleotide variant.
Coding change: c.610A>T on transcript NM_001257293.2 (MANE Select); coding-DNA position 610, A replaced by T.
Protein change: p.Met204Leu; replaces methionine 204 with leucine.
Molecular consequence: missense variant. On other transcripts: intron variant (3).
Genome position (GRCh38, 1-based): chr5:179,618,250, T>A on the plus strand (A>T on the coding strand, the complement: HNRNPH1 is on the minus strand). VCF-style: chr5-179618250-T-A. GRCh37 (hg19) VCF-style: chr5-179045251-T-A.
Other names: c.610A>T, p.Met204Leu (NM_001363572.2, NM_001364225.2, NM_001364226.2 and 36 more transcripts); c.454A>T, p.Met152Leu (NM_001364250.2); c.7A>T, p.Met3Leu (NM_001364251.2, NM_001364252.2, NM_001364253.2 and 4 more transcripts); c.379A>T, p.Met127Leu (NM_001395190.1); c.398-339A>T (NM_001395193.1); c.398-190A>T (NM_001395191.1, NM_001395192.1); short protein forms M152L, M204L, M3L, M127L.
Identifiers: ClinVar variation 4995982 (VCV004995982.1).
Genomic context (GRCh38, chr5:179,618,250, plus strand): 5'-TGCCAATGCTGTTATACCCTCTACCAGCCCCAGGTCTGTCATAAGGACCTGGCCGCTGCA[T>A]GGCCATAAGCTTTCGTGGTGGATCATAATGAGTTCTAACTTCAGCTCTACTGCTCTTAAA-3'
Protein context (NP_001244222.1, residues 194-214): HYDPPRKLMA[Met204Leu]QRPGPYDRPG

ClinVar aggregate classification (germline): Uncertain significance (1 of 4 stars; one submission).

Conditions:
HNRNPH1-related disorder. Also called: HNRNPH1-related condition.

Submission:

PreventionGenetics, part of Exact Sciences
Classification: Uncertain significance for HNRNPH1-related condition. Last evaluated: 2026-03-26. Review status: criteria provided, single submitter. Criteria: ACMG Guidelines, 2015. Collection method: clinical testing. Allele origin: germline.
Comment: The HNRNPH1 c.610A>T variant is predicted to result in the amino acid substitution p.Met204Leu. To our knowledge, this variant has not been reported in the literature or in a large population database (gnomAD), indicating this variant is rare. At this time, the clinical significance of this variant is uncertain due to the absence of conclusive functional and genetic evidence.